The following is an entry in ClinVar:

NM_000393.5(COL5A2):c.1799G>T (p.Gly600Val)

Gene: COL5A2 (collagen type V alpha 2 chain; minus strand). Cytogenetic location: 2q32.2.
Variant type: single nucleotide variant.
Coding change: c.1799G>T on transcript NM_000393.5 (MANE Select); coding-DNA position 1799, G replaced by T.
Protein change: p.Gly600Val; replaces glycine 600 with valine.
Molecular consequence: missense variant.
Genome position (GRCh38, 1-based): chr2:189,063,242, C>A on the plus strand (G>T on the coding strand, the complement: COL5A2 is on the minus strand). VCF-style: chr2-189063242-C-A. GRCh37 (hg19) VCF-style: chr2-189927968-C-A.
Other names: short protein forms G600V.
Identifiers: ClinVar variation 1474723 (VCV001474723.6), dbSNP rs2105590990, ClinGen allele CA349880080.

ClinVar aggregate classification (germline): Uncertain significance (1 of 4 stars; one submission).

Conditions:
Ehlers-Danlos syndrome, classic type, 1 (EDSCL1). Also called: EHLERS-DANLOS SYNDROME, GRAVIS TYPE; EHLERS-DANLOS SYNDROME, SEVERE CLASSIC TYPE; Ehlers-Danlos syndrome, type 1; Ehlers-Danlos Syndrome, Classic Type, COL5A1-Related; EDS I. Identifiers: MedGen C0268335, MONDO:0019567, OMIM 130000.

Submission:

Labcorp Genetics (formerly Invitae), Labcorp
Classification: Uncertain significance for Ehlers-Danlos syndrome, classic type, 1. Last evaluated: 2021-09-13. Review status: criteria provided, single submitter. Criteria: Invitae Variant Classification Sherloc (09022015). Collection method: clinical testing. Allele origin: germline.
Comment: In summary, the available evidence is currently insufficient to determine the role of this variant in disease. Therefore, it has been classified as a Variant of Uncertain Significance. Advanced modeling of protein sequence and biophysical properties (such as structural, functional, and spatial information, amino acid conservation, physicochemical variation, residue mobility, and thermodynamic stability) performed at Invitae indicates that this missense variant is expected to disrupt COL5A2 protein function. This variant has not been reported in the literature in individuals affected with COL5A2-related conditions. This variant is not present in population databases (ExAC no frequency). This sequence change replaces glycine with valine at codon 600 of the COL5A2 protein (p.Gly600Val). The glycine residue is highly conserved and there is a moderate physicochemical difference between glycine and valine.